The following is an entry in ClinVar:

ClinVar aggregate classification (germline): Uncertain significance (1 of 4 stars; one submission).

Conditions:
Xeroderma pigmentosum, group F (XPF). Also called: XERODERMA PIGMENTOSUM, COMPLEMENTATION GROUP F; XERODERMA PIGMENTOSUM VI; XP, GROUP F; ERCC4-Related Xeroderma Pigmentosum; XERODERMA PIGMENTOSUM, TYPE F; Xeroderma pigmentosum, type 6. Identifiers: MedGen C0268140, MONDO:0010215, OMIM 278760.
Fanconi anemia complementation group Q. Identifiers: Orphanet 84, MedGen C3808988, MONDO:0014108, OMIM 615272.
Cockayne syndrome. Identifiers: Orphanet 191, MedGen C0009207, MONDO:0016006.

Submission:

Labcorp Genetics (formerly Invitae), Labcorp
Classification: Uncertain significance for Fanconi anemia complementation group Q; Xeroderma pigmentosum, group F; Cockayne syndrome. Last evaluated: 2023-05-01. Review status: criteria provided, single submitter. Criteria: Invitae Variant Classification Sherloc (09022015). Collection method: clinical testing. Allele origin: germline.
Comment: This variant is not present in population databases (gnomAD no frequency). In summary, the available evidence is currently insufficient to determine the role of this variant in disease. Therefore, it has been classified as a Variant of Uncertain Significance. An algorithm developed to predict the effect of missense changes on protein structure and function (PolyPhen-2) suggests that this variant is likely to be tolerated. This variant has not been reported in the literature in individuals affected with ERCC4-related conditions. This sequence change replaces serine, which is neutral and polar, with leucine, which is neutral and non-polar, at codon 459 of the ERCC4 protein (p.Ser459Leu).

NM_005236.3(ERCC4):c.1376C>T (p.Ser459Leu)

Gene: ERCC4 (ERCC excision repair 4, endonuclease catalytic subunit; plus strand). Cytogenetic location: 16p13.12.
Variant type: single nucleotide variant.
Coding change: c.1376C>T on transcript NM_005236.3 (MANE Select); coding-DNA position 1376, C replaced by T.
Protein change: p.Ser459Leu; replaces serine 459 with leucine.
Molecular consequence: missense variant.
Genome position (GRCh38, 1-based): chr16:13,935,308, C>T. VCF-style: chr16-13935308-C-T. GRCh37 (hg19) VCF-style: chr16-14029165-C-T.
Other names: short protein forms S459L.
Identifiers: ClinVar variation 2947341 (VCV002947341.3), dbSNP rs201179693, ClinGen allele CA394810106.